The following is an entry in ClinVar:

ClinVar aggregate classification (germline): Uncertain significance. Review status: criteria provided, multiple submitters, no conflicts (2 of 4 stars). 3 submissions from 3 submitters: Uncertain significance (3). Last evaluated 2025-01-31.

Conditions:
Primary ciliary dyskinesia 23 (CILD23). Also called: CILIARY DYSKINESIA, PRIMARY, 23, WITH OR WITHOUT SITUS INVERSUS. Identifiers: Orphanet 244, MedGen C3809548, MONDO:0014193, OMIM 615451.
Primary ciliary dyskinesia. Also called: Ciliary dyskinesia. Identifiers: Orphanet 244, MedGen C0008780, MONDO:0016575, HP:0012265.

Allele frequency attached by ClinVar (database versions not stated): gnomAD 0.00005 and 0.00006; TOPMed 0.00005; ExAC 0.00007; gnomAD exomes 0.00007 and 0.00008; ESP Exome Variant Server 0.00015.
gnomAD v4.1: 110 of 1,614,090 alleles (0.0068%); highest among the groups gnomAD compares: Admixed American, 0.012%; no homozygotes.

Submissions (3):

Ambry Genetics
Classification: Uncertain significance for Primary ciliary dyskinesia. Last evaluated: 2025-01-31. Review status: criteria provided, single submitter. Criteria: Ambry Variant Classification Scheme 2023. Collection method: clinical testing. Allele origin: germline.
Comment: The p.M540T variant (also known as c.1619T>C), located in coding exon 11 of the ARMC4 gene, results from a T to C substitution at nucleotide position 1619. The methionine at codon 540 is replaced by threonine, an amino acid with similar properties. This amino acid position is conserved. In addition, the in silico prediction for this alteration is inconclusive. Since supporting evidence is limited at this time, the clinical significance of this alteration remains unclear.

Blueprint Genetics
Classification: Uncertain significance. Last evaluated: 2024-09-14. Review status: criteria provided, single submitter. Criteria: ACMG Guidelines, 2015. Collection method: clinical testing. Allele origin: germline.

Labcorp Genetics (formerly Invitae), Labcorp
Classification: Uncertain significance for Primary ciliary dyskinesia 23. Last evaluated: 2022-04-18. Review status: criteria provided, single submitter. Criteria: Invitae Variant Classification Sherloc (09022015). Collection method: clinical testing. Allele origin: germline.
Comment: This sequence change replaces methionine, which is neutral and non-polar, with threonine, which is neutral and polar, at codon 540 of the ARMC4 protein (p.Met540Thr). This variant is present in population databases (rs199836959, gnomAD 0.01%). This variant has not been reported in the literature in individuals affected with ARMC4-related conditions. ClinVar contains an entry for this variant (Variation ID: 1005435). Algorithms developed to predict the effect of missense changes on protein structure and function are either unavailable or do not agree on the potential impact of this missense change (SIFT: "Deleterious"; PolyPhen-2: "Possibly Damaging"; Align-GVGD: "Class C0"). In summary, the available evidence is currently insufficient to determine the role of this variant in disease. Therefore, it has been classified as a Variant of Uncertain Significance.

NM_018076.5(ODAD2):c.1619T>C (p.Met540Thr)

Gene: ODAD2 (outer dynein arm docking complex subunit 2; minus strand). Cytogenetic location: 10p12.1.
Variant type: single nucleotide variant.
Coding change: c.1619T>C on transcript NM_018076.5 (MANE Select); coding-DNA position 1619, T replaced by C.
Protein change: p.Met540Thr; replaces methionine 540 with threonine.
Molecular consequence: missense variant.
Genome position (GRCh38, 1-based): chr10:27,944,346, A>G on the plus strand (T>C on the coding strand, the complement: ODAD2 is on the minus strand). VCF-style: chr10-27944346-A-G. GRCh37 (hg19) VCF-style: chr10-28233275-A-G.
Other names: c.1619T>C, p.Met540Thr (NM_001290020.2); c.194T>C, p.Met65Thr (NM_001290021.2); c.695T>C, p.Met232Thr (NM_001312689.2); short protein forms M232T, M540T, M65T.
Identifiers: ClinVar variation 1005435 (VCV001005435.10), dbSNP rs199836959, ClinGen allele CA5453470.
Genomic context (GRCh38, chr10:27,944,346, plus strand): 5'-GCGATAGTCTCGGCTGCCAAACATTTTAGACTCTTGTGTGGAGAATCAAGTATATTCACC[A>G]TAATTGGTAAGCCCCCAAGGTCAACAATATTCTGTCTGATTTGAGGATTATGACTGATTT-3'
Protein context (NP_060546.2, residues 530-550): NIVDLGGLPI[Met540Thr]VNILDSPHKS